The following is an entry in ClinVar:

NM_006531.5(IFT88):c.460A>G (p.Ile154Val)

Gene: IFT88 (intraflagellar transport 88; plus strand). Cytogenetic location: 13q12.11.
Variant type: single nucleotide variant.
Coding change: c.460A>G on transcript NM_006531.5 (MANE Select); coding-DNA position 460, A replaced by G.
Protein change: p.Ile154Val; replaces isoleucine 154 with valine.
Molecular consequence: missense variant. On other transcripts: 5 prime UTR variant (1), non-coding transcript variant (5).
Genome position (GRCh38, 1-based): chr13:20,596,211, A>G. VCF-style: chr13-20596211-A-G. GRCh37 (hg19) VCF-style: chr13-21170350-A-G.
Other names: c.403A>G, p.Ile135Val (NM_001318491.2, NM_001353573.2, NM_001353574.2 and 1 more transcripts); c.487A>G, p.Ile163Val (NM_001318493.2, NM_001353565.2, NM_001353566.2 and 6 more transcripts); c.460A>G, p.Ile154Val (NM_001353568.2, NM_001353571.2, NM_001353572.2 and 1 more transcripts); c.-174A>G (NM_001353579.2); short protein forms I154V, I135V, I163V.
Identifiers: ClinVar variation 2090679 (VCV002090679.4), dbSNP rs2548092763, ClinGen allele CA387472464.

ClinVar aggregate classification (germline): Uncertain significance (1 of 4 stars; one submission).

Submission:

Labcorp Genetics (formerly Invitae), Labcorp
Classification: Uncertain significance. Last evaluated: 2022-07-01. Review status: criteria provided, single submitter. Criteria: Invitae Variant Classification Sherloc (09022015). Collection method: clinical testing. Allele origin: germline.
Comment: In summary, the available evidence is currently insufficient to determine the role of this variant in disease. Therefore, it has been classified as a Variant of Uncertain Significance. Algorithms developed to predict the effect of missense changes on protein structure and function output the following: SIFT: "Not Available"; PolyPhen-2: "Benign"; Align-GVGD: "Not Available". The valine amino acid residue is found in multiple mammalian species, which suggests that this missense change does not adversely affect protein function. This variant has not been reported in the literature in individuals affected with IFT88-related conditions. This variant is not present in population databases (gnomAD no frequency). This sequence change replaces isoleucine, which is neutral and non-polar, with valine, which is neutral and non-polar, at codon 163 of the IFT88 protein (p.Ile163Val).